The following is an entry in ClinVar:

ClinVar aggregate classification (germline): Pathogenic (1 of 4 stars; one submission).

Conditions:
Hyperkalemic periodic paralysis. Also called: Familial hyperkalemic periodic paralysis; Gamstorp disease. Identifiers: Orphanet 682, MedGen C0238357, MONDO:0008224, OMIM 170500, HP:0007215.

Allele frequency attached by ClinVar (database versions not stated): gnomAD exomes below 0.00001; TOPMed below 0.00001; ExAC 0.00001; gnomAD 0.00001.
gnomAD v4.1: 3 of 1,613,784 alleles (0.00019%); highest among the groups gnomAD compares: South Asian, 0.0022%; no homozygotes.

Submission:

Labcorp Genetics (formerly Invitae), Labcorp
Classification: Pathogenic for Hyperkalemic periodic paralysis. Last evaluated: 2025-12-03. Review status: criteria provided, single submitter. Criteria: Invitae Variant Classification Sherloc (09022015). Collection method: clinical testing. Allele origin: germline.
Comment: This sequence change creates a premature translational stop signal (p.Trp306*) in the SCN4A gene. It is expected to result in an absent or disrupted protein product. Loss-of-function variants in SCN4A are known to be pathogenic (PMID: 26700687). This variant is present in population databases (rs759347899, gnomAD 0.003%). This variant has not been reported in the literature in individuals affected with SCN4A-related conditions. ClinVar contains an entry for this variant (Variation ID: 1352149). For these reasons, this variant has been classified as Pathogenic.

Literature cited by the submitters: PubMed 26700687.

NM_000334.4(SCN4A):c.918G>A (p.Trp306Ter)

Gene: SCN4A (sodium voltage-gated channel alpha subunit 4; minus strand). Cytogenetic location: 17q23.3.
Variant type: single nucleotide variant.
Coding change: c.918G>A on transcript NM_000334.4 (MANE Select); coding-DNA position 918, G replaced by A.
Protein change: p.Trp306Ter; replaces tryptophan 306 with a stop codon.
Molecular consequence: nonsense.
Genome position (GRCh38, 1-based): chr17:63,968,141, C>T on the plus strand (G>A on the coding strand, the complement: SCN4A is on the minus strand). VCF-style: chr17-63968141-C-T. GRCh37 (hg19) VCF-style: chr17-62045501-C-T.
Other names: short protein forms W306*.
Identifiers: ClinVar variation 1352149 (VCV001352149.6), dbSNP rs759347899, ClinGen allele CA8710000.